The following is an entry in ClinVar:

NM_031935.3(HMCN1):c.1960G>A (p.Gly654Ser)

Gene: HMCN1 (hemicentin 1; plus strand). Cytogenetic location: 1q31.1.
Variant type: single nucleotide variant.
Coding change: c.1960G>A on transcript NM_031935.3 (MANE Select); coding-DNA position 1960, G replaced by A.
Protein change: p.Gly654Ser; replaces glycine 654 with serine.
Molecular consequence: missense variant.
Genome position (GRCh38, 1-based): chr1:185,962,649, G>A. VCF-style: chr1-185962649-G-A. GRCh37 (hg19) VCF-style: chr1-185931781-G-A.
Other names: short protein forms G654S.
Identifiers: ClinVar variation 4768450 (VCV004768450.1).
Genomic context (GRCh38, chr1:185,962,649, plus strand): 5'-TCTGCAACAGGTTATCCCAAACCAAAGATTGCCTGGACCGTTAACGATATGTTTATCGTG[G>A]GTTCACACAGGTACTGGGTTTGTATCATGTTTTTGTTTTTATTGAGTGAGAAAAATTGAT-3'
Protein context (NP_114141.2, residues 644-664): AWTVNDMFIV[Gly654Ser]SHRYRMTSDG

ClinVar aggregate classification (germline): Uncertain significance (1 of 4 stars; one submission).

gnomAD v4.1: 8 of 1,559,966 alleles (0.00051%); highest among the groups gnomAD compares: Middle Eastern, 0.034%; no homozygotes.

Submission:

Labcorp Genetics (formerly Invitae), Labcorp
Classification: Uncertain significance. Last evaluated: 2025-04-08. Review status: criteria provided, single submitter. Criteria: Invitae Variant Classification Sherloc (09022015). Collection method: clinical testing. Allele origin: germline.
Comment: This sequence change replaces glycine, which is neutral and non-polar, with serine, which is neutral and polar, at codon 654 of the HMCN1 protein (p.Gly654Ser). This variant is present in population databases (rs759915476, gnomAD 0.002%). This variant has not been reported in the literature in individuals affected with HMCN1-related conditions. An algorithm developed to predict the effect of missense changes on protein structure and function (PolyPhen-2) suggests that this variant is likely to be disruptive. Algorithms developed to predict the effect of sequence changes on RNA splicing suggest that this variant may create or strengthen a splice site. In summary, the available evidence is currently insufficient to determine the role of this variant in disease. Therefore, it has been classified as a Variant of Uncertain Significance.